The following is an entry in ClinVar:

ClinVar aggregate classification (germline): Uncertain significance (1 of 4 stars; one submission).

Conditions:
Ehlers-Danlos syndrome, classic type, 1 (EDSCL1). Also called: Ehlers-Danlos syndrome, type 1; EHLERS-DANLOS SYNDROME, GRAVIS TYPE; EHLERS-DANLOS SYNDROME, SEVERE CLASSIC TYPE; EDS I; Ehlers-Danlos Syndrome, Classic Type, COL5A1-Related. Identifiers: MedGen C0268335, MONDO:0019567, OMIM 130000.

Submission:

Labcorp Genetics (formerly Invitae), Labcorp
Classification: Uncertain significance for Ehlers-Danlos syndrome, classic type, 1. Last evaluated: 2019-09-28. Review status: criteria provided, single submitter. Criteria: Invitae Variant Classification Sherloc (09022015). Collection method: clinical testing. Allele origin: germline.
Comment: This variant has not been reported in the literature in individuals with COL5A2-related conditions. In summary, the available evidence is currently insufficient to determine the role of this variant in disease. Therefore, it has been classified as a Variant of Uncertain Significance. This variant is not present in population databases (ExAC no frequency). This sequence change replaces glycine with alanine at codon 689 of the COL5A2 protein (p.Gly689Ala). The glycine residue is highly conserved and there is a small physicochemical difference between glycine and alanine.

NM_000393.5(COL5A2):c.2066G>C (p.Gly689Ala)

Gene: COL5A2 (collagen type V alpha 2 chain; minus strand). Cytogenetic location: 2q32.2.
Variant type: single nucleotide variant.
Coding change: c.2066G>C on transcript NM_000393.5 (MANE Select); coding-DNA position 2066, G replaced by C.
Protein change: p.Gly689Ala; replaces glycine 689 with alanine.
Molecular consequence: missense variant.
Genome position (GRCh38, 1-based): chr2:189,060,749, C>G on the plus strand (G>C on the coding strand, the complement: COL5A2 is on the minus strand). VCF-style: chr2-189060749-C-G. GRCh37 (hg19) VCF-style: chr2-189925475-C-G.
Other names: short protein forms G689A.
Identifiers: ClinVar variation 962660 (VCV000962660.11), dbSNP rs541711311, ClinGen allele CA349877470.
Genomic context (GRCh38, chr2:189,060,749, plus strand): 5'-GCAATGTATAGTGTTGCCATTATTATTATTTAAACACTTACTTGATCACCTGGTTTTCCA[C>G]CTTCTCCAGGAGGCCCTGGAGGACCAGGAAGCCCCTAAAACAAAAGTAAGAAAATAAAAT-3'
Protein context (NP_000384.2, residues 679-699): LPGPPGPPGE[Gly689Ala]GKPGDQGVPG